The following is an entry in ClinVar:

ClinVar aggregate classification (germline): Uncertain significance (1 of 4 stars; one submission).

Allele frequency attached by ClinVar (database versions not stated): TOPMed 0.00001 and below 0.00001; gnomAD exomes 0.00001.
gnomAD v4.1: 2 of 1,609,434 alleles (0.00012%); highest among the groups gnomAD compares: Non-Finnish European, 0.00017%; no homozygotes.

Submission:

Laboratory for Molecular Medicine, Mass General Brigham Personalized Medicine
Classification: Uncertain significance. Last evaluated: 2012-07-06. Review status: criteria provided, single submitter. Criteria: LMM Criteria. Collection method: clinical testing. Allele origin: germline. Observed: 1 variant allele.
Comment: The 4455-3C>A variant in LAMA4 has not been reported in the literature nor previ ously identified by our laboratory. This variant is located in the 3' splice reg ion. Computational tools suggest that it may impact splicing, though this inform ation is not predictive enough to determine pathogenicity. Additional studies ar e need to fully assess the clinical significance of this variant.

NM_001105206.3(LAMA4):c.4476-3C>A

Gene: LAMA4 (laminin subunit alpha 4; minus strand). Cytogenetic location: 6q21.
Variant type: single nucleotide variant.
Coding change: c.4476-3C>A on transcript NM_001105206.3 (MANE Select); 3 bases into the intron before coding-DNA position 4476, C replaced by A.
Molecular consequence: intron variant.
Genome position (GRCh38, 1-based): chr6:112,120,475, G>T on the plus strand (C>A on the coding strand, the complement: LAMA4 is on the minus strand). VCF-style: chr6-112120475-G-T. GRCh37 (hg19) VCF-style: chr6-112441678-G-T.
Other names: c.4455-3C>A (NM_002290.5, NM_001105207.3).
Identifiers: ClinVar variation 44391 (VCV000044391.4), dbSNP rs397516731, ClinGen allele CA134048.